The following is an entry in ClinVar:

ClinVar aggregate classification (germline): Uncertain significance. Review status: criteria provided, multiple submitters, no conflicts (2 of 4 stars). 2 submissions from 2 submitters: Uncertain significance (2). Last evaluated 2024-03-09.

Conditions:
Hereditary cancer-predisposing syndrome. Also called: Hereditary neoplastic syndrome; Neoplastic Syndromes, Hereditary; Tumor predisposition; Hereditary Cancer Syndrome. Identifiers: Orphanet 140162, MedGen C0027672, MeSH D009386, MONDO:0015356.

Submissions (2):

Ambry Genetics
Classification: Uncertain significance for Hereditary cancer-predisposing syndrome. Last evaluated: 2024-03-09. Review status: criteria provided, single submitter. Criteria: Ambry Variant Classification Scheme 2023. Collection method: clinical testing. Allele origin: germline.
Comment: The p.V181L variant (also known as c.541G>C), located in coding exon 3 of the MSH3 gene, results from a G to C substitution at nucleotide position 541. The valine at codon 181 is replaced by leucine, an amino acid with highly similar properties. This amino acid position is conserved. In addition, this alteration is predicted to be tolerated by in silico analysis. Based on the available evidence, the clinical significance of this alteration remains unclear.

Labcorp Genetics (formerly Invitae), Labcorp
Classification: Uncertain significance. Last evaluated: 2019-08-28. Review status: criteria provided, single submitter. Criteria: Invitae Variant Classification Sherloc (09022015). Collection method: clinical testing. Allele origin: germline.
Comment: This sequence change replaces valine with leucine at codon 181 of the MSH3 protein (p.Val181Leu). The valine residue is moderately conserved and there is a small physicochemical difference between valine and leucine. This variant is not present in population databases (ExAC no frequency). This variant has not been reported in the literature in individuals with MSH3-related conditions. Algorithms developed to predict the effect of missense changes on protein structure and function (SIFT, PolyPhen-2, Align-GVGD) all suggest that this variant is likely to be tolerated, but these predictions have not been confirmed by published functional studies and their clinical significance is uncertain. In summary, the available evidence is currently insufficient to determine the role of this variant in disease. Therefore, it has been classified as a Variant of Uncertain Significance.

NM_002439.5(MSH3):c.541G>C (p.Val181Leu)

Gene: MSH3 (mutS homolog 3; plus strand). Cytogenetic location: 5q14.1.
Variant type: single nucleotide variant.
Coding change: c.541G>C on transcript NM_002439.5 (MANE Select); coding-DNA position 541, G replaced by C.
Protein change: p.Val181Leu; replaces valine 181 with leucine.
Molecular consequence: missense variant.
Genome position (GRCh38, 1-based): chr5:80,665,325, G>C. VCF-style: chr5-80665325-G-C. GRCh37 (hg19) VCF-style: chr5-79961144-G-C.
Other names: c.541G>C (NM_002439.3); short protein forms V181L.
Identifiers: ClinVar variation 939676 (VCV000939676.2), dbSNP rs1749546200, ClinGen allele CA360264395.